The following is an entry in ClinVar:

ClinVar aggregate classification (germline): Uncertain significance. Review status: criteria provided, multiple submitters, no conflicts (2 of 4 stars). 2 submissions from 2 submitters: Uncertain significance (2). Last evaluated 2025-12-21.

Conditions:
Familial melanoma. Also called: Hereditary melanoma; Hereditary cutaneous melanoma. Identifiers: Orphanet 618, MedGen C1512419, MONDO:0018961.
Hereditary cancer-predisposing syndrome. Also called: Neoplastic Syndromes, Hereditary; Hereditary Cancer Syndrome; Hereditary neoplastic syndrome; Tumor predisposition. Identifiers: Orphanet 140162, MedGen C0027672, MeSH D009386, MONDO:0015356.

Allele frequency attached by ClinVar (database versions not stated): gnomAD exomes below 0.00001.

Submissions (2):

Labcorp Genetics (formerly Invitae), Labcorp
Classification: Uncertain significance for Familial melanoma. Last evaluated: 2025-12-21. Review status: criteria provided, single submitter. Criteria: Invitae Variant Classification Sherloc (09022015). Collection method: clinical testing. Allele origin: germline.
Comment: This sequence change replaces alanine, which is neutral and non-polar, with proline, which is neutral and non-polar, at codon 162 of the CDK4 protein (p.Ala162Pro). This variant is not present in population databases (gnomAD no frequency). This variant has not been reported in the literature in individuals affected with CDK4-related conditions. ClinVar contains an entry for this variant (Variation ID: 463467). Invitae Evidence Modeling of protein sequence and biophysical properties (such as structural, functional, and spatial information, amino acid conservation, physicochemical variation, residue mobility, and thermodynamic stability) indicates that this missense variant is expected to disrupt CDK4 protein function with a positive predictive value of 95%. In summary, the available evidence is currently insufficient to determine the role of this variant in disease. Therefore, it has been classified as a Variant of Uncertain Significance.

Ambry Genetics
Classification: Uncertain significance for Hereditary cancer-predisposing syndrome. Last evaluated: 2025-07-23. Review status: criteria provided, single submitter. Criteria: Ambry Variant Classification Scheme 2023. Collection method: clinical testing. Allele origin: germline.
Comment: The p.A162P variant (also known as c.484G>C), located in coding exon 3 of the CDK4 gene, results from a G to C substitution at nucleotide position 484. The alanine at codon 162 is replaced by proline, an amino acid with highly similar properties. This amino acid position is highly conserved in available vertebrate species. In addition, this alteration is predicted to be deleterious by in silico analysis. Based on the available evidence, the clinical significance of this variant remains unclear.

NM_000075.4(CDK4):c.484G>C (p.Ala162Pro)

Gene: CDK4 (cyclin dependent kinase 4; minus strand). Cytogenetic location: 12q14.1.
Variant type: single nucleotide variant.
Coding change: c.484G>C on transcript NM_000075.4 (MANE Select); coding-DNA position 484, G replaced by C.
Protein change: p.Ala162Pro; replaces alanine 162 with proline.
Molecular consequence: missense variant.
Genome position (GRCh38, 1-based): chr12:57,750,961, C>G on the plus strand (G>C on the coding strand, the complement: CDK4 is on the minus strand). VCF-style: chr12-57750961-C-G. GRCh37 (hg19) VCF-style: chr12-58144744-C-G.
Other names: short protein forms A162P.
Identifiers: ClinVar variation 463467 (VCV000463467.10), dbSNP rs1555201301, ClinGen allele CA385546263.
Genomic context (GRCh38, chr12:57,750,961, plus strand): 5'-TTGGTACCATCTTTCTACTGACCACGGGTGTAAGTGCCATCTGGTAGCTGTAGATTCTGG[C>G]CAGGCCAAAGTCAGCCAGCTTGACTGTTCCACCACTTGTCACCAGAATGTTCTCTGGCTT-3'
Protein context (NP_000066.1, residues 152-172): GTVKLADFGL[Ala162Pro]RIYSYQMALT